The following is an entry in ClinVar:

NM_001018113.3(FANCB):c.2360G>C (p.Arg787Thr)

Gene: FANCB (FA complementation group B; minus strand). Cytogenetic location: Xp22.2.
Variant type: single nucleotide variant.
Coding change: c.2360G>C on transcript NM_001018113.3 (MANE Select); coding-DNA position 2360, G replaced by C.
Protein change: p.Arg787Thr; replaces arginine 787 with threonine.
Molecular consequence: missense variant.
Genome position (GRCh38, 1-based): chrX:14,843,787, C>G on the plus strand (G>C on the coding strand, the complement: FANCB is on the minus strand). VCF-style: chrX-14843787-C-G. GRCh37 (hg19) VCF-style: chrX-14861909-C-G.
Other names: c.2360G>C, p.Arg787Thr (NM_001324162.2, NM_001410764.1, NM_152633.4); short protein forms R787T.
Identifiers: ClinVar variation 3628778 (VCV003628778.2).
Genomic context (GRCh38, chrX:14,843,787, plus strand): 5'-TCCCTTCTGTCTGATAAAGCAGCCGCGACGACACTACTCTTTCCTTTGCTCACTTCACAC[C>G]TCTGCATAAAATTGCTTTCATGTTTAGCTATGGCAGAAGAAAGAGAACTAAGGGTGACTA-3'
Protein context (NP_001018123.1, residues 777-797): IAKHESNFMQ[Arg787Thr]CEVSKGKSSV

ClinVar aggregate classification (germline): Uncertain significance (1 of 4 stars; one submission).

Conditions:
Fanconi anemia (FA). Also called: Fanconi's anemia. Identifiers: Orphanet 84, MedGen C0015625, MeSH D005199, MONDO:0019391.

gnomAD v4.1: 2 of 1,211,116 alleles (0.00017%); highest among the groups gnomAD compares: Non-Finnish European, 0.00022%; no homozygotes.

Submission:

Labcorp Genetics (formerly Invitae), Labcorp
Classification: Uncertain significance for Fanconi anemia. Last evaluated: 2024-09-28. Review status: criteria provided, single submitter. Criteria: Invitae Variant Classification Sherloc (09022015). Collection method: clinical testing. Allele origin: germline.
Comment: This sequence change replaces arginine, which is basic and polar, with threonine, which is neutral and polar, at codon 787 of the FANCB protein (p.Arg787Thr). This variant is present in population databases (no rsID available, gnomAD 0.001%). This variant has not been reported in the literature in individuals affected with FANCB-related conditions. Invitae Evidence Modeling of protein sequence and biophysical properties (such as structural, functional, and spatial information, amino acid conservation, physicochemical variation, residue mobility, and thermodynamic stability) indicates that this missense variant is not expected to disrupt FANCB protein function with a negative predictive value of 80%. In summary, the available evidence is currently insufficient to determine the role of this variant in disease. Therefore, it has been classified as a Variant of Uncertain Significance.